The following is an entry in ClinVar:

ClinVar aggregate classification (germline): Uncertain significance (1 of 4 stars; one submission).

Submission:

Labcorp Genetics (formerly Invitae), Labcorp
Classification: Uncertain significance. Last evaluated: 2025-02-13. Review status: criteria provided, single submitter. Criteria: Invitae Variant Classification Sherloc (09022015). Collection method: clinical testing. Allele origin: germline.
Comment: This sequence change replaces glutamic acid, which is acidic and polar, with lysine, which is basic and polar, at codon 791 of the HK1 protein (p.Glu791Lys). This variant is not present in population databases (gnomAD no frequency). This variant has not been reported in the literature in individuals affected with HK1-related conditions. Invitae Evidence Modeling of protein sequence and biophysical properties (such as structural, functional, and spatial information, amino acid conservation, physicochemical variation, residue mobility, and thermodynamic stability) indicates that this missense variant is expected to disrupt HK1 protein function with a positive predictive value of 80%. In summary, the available evidence is currently insufficient to determine the role of this variant in disease. Therefore, it has been classified as a Variant of Uncertain Significance.

NM_000188.3(HK1):c.2371G>A (p.Glu791Lys)

Gene: HK1 (hexokinase 1; plus strand). Cytogenetic location: 10q22.1.
Variant type: single nucleotide variant.
Coding change: c.2371G>A on transcript NM_000188.3 (MANE Select); coding-DNA position 2371, G replaced by A.
Protein change: p.Glu791Lys; replaces glutamic acid 791 with lysine.
Molecular consequence: missense variant. On other transcripts: non-coding transcript variant (2), intron variant (1).
Genome position (GRCh38, 1-based): chr10:69,395,101, G>A. VCF-style: chr10-69395101-G-A. GRCh37 (hg19) VCF-style: chr10-71154857-G-A.
Other names: c.2383G>A, p.Glu795Lys (NM_001322364.2, NM_001358263.1, NM_033497.3 and 1 more transcripts); c.2476G>A, p.Glu826Lys (NM_001322365.2); c.2287G>A, p.Glu763Lys (NM_001322366.1, NM_001441143.1); c.2275G>A, p.Glu759Lys (NM_001322367.1); c.2368G>A, p.Glu790Lys (NM_001441139.1, NM_033496.3); c.2362G>A, p.Glu788Lys (NM_001441140.1); c.2371G>A, p.Glu791Lys (NM_001441141.1, NM_001441148.1); c.2329G>A, p.Glu777Lys (NM_001441142.1); and 9 more; short protein forms E751K, E790K, E455K, E661K, E759K, E777K, E791K, E826K.
Identifiers: ClinVar variation 4697886 (VCV004697886.1).